The following is an entry in ClinVar:

ClinVar aggregate classification (germline): Likely benign. Review status: criteria provided, multiple submitters, no conflicts (2 of 4 stars). 2 submissions from 2 submitters: Likely benign (2). Last evaluated 2023-05-01.

Submissions (2):

CeGaT Center for Human Genetics Tuebingen
Classification: Likely benign. Last evaluated: 2023-05-01. Review status: criteria provided, single submitter. Criteria: CeGaT Center For Human Genetics Tuebingen Variant Classification Criteria Version 2. Collection method: clinical testing. Allele origin: germline. Affected: yes. Observed: 2 variant alleles.
Comment: MRE11: PM2:Supporting, BP4, BP7

Labcorp Genetics (formerly Invitae), Labcorp
Classification: Likely benign. Last evaluated: 2018-04-26. Review status: criteria provided, single submitter. Criteria: Invitae Variant Classification Sherloc (09022015). Collection method: clinical testing. Allele origin: germline.

NM_005591.4(MRE11):c.807A>C (p.Ser269=)

Gene: MRE11 (MRE11 double strand break repair nuclease; minus strand). Cytogenetic location: 11q21.
Variant type: single nucleotide variant.
Coding change: c.807A>C on transcript NM_005591.4 (MANE Select); coding-DNA position 807, A replaced by C.
Protein change: p.Ser269=; no amino-acid change (serine 269 retained).
Molecular consequence: synonymous variant.
Genome position (GRCh38, 1-based): chr11:94,471,612, T>G on the plus strand (A>C on the coding strand, the complement: MRE11 is on the minus strand). VCF-style: chr11-94471612-T-G. GRCh37 (hg19) VCF-style: chr11-94204778-T-G.
Other names: c.807A>C, p.Ser269= (NM_001330347.2, NM_005590.4).
Identifiers: ClinVar variation 742353 (VCV000742353.27), dbSNP rs1306806501, ClinGen allele CA476284340.